The following is an entry in ClinVar:

ClinVar aggregate classification (germline): Uncertain significance (1 of 4 stars; one submission).

Conditions:
Immunodeficiency, common variable, 4. Also called: ANTIBODY DEFICIENCY DUE TO BAFFR DEFECT. Identifiers: Orphanet 1572, Orphanet 696925, MedGen C3150739, MONDO:0013284, OMIM 613494.

Submission:

Labcorp Genetics (formerly Invitae), Labcorp
Classification: Uncertain significance for Immunodeficiency, common variable, 4. Last evaluated: 2023-10-13. Review status: criteria provided, single submitter. Criteria: Invitae Variant Classification Sherloc (09022015). Collection method: clinical testing. Allele origin: germline.
Comment: This sequence change creates a premature translational stop signal (p.Ala123Profs*52) in the TNFRSF13C gene. While this is not anticipated to result in nonsense mediated decay, it is expected to disrupt the last 62 amino acid(s) of the TNFRSF13C protein. This variant is not present in population databases (gnomAD no frequency). This variant has not been reported in the literature in individuals affected with TNFRSF13C-related conditions. Experimental studies and prediction algorithms are not available or were not evaluated, and the functional significance of this variant is currently unknown. Algorithms developed to predict the effect of sequence changes on RNA splicing suggest that this variant may disrupt the consensus splice site. In summary, the available evidence is currently insufficient to determine the role of this variant in disease. Therefore, it has been classified as a Variant of Uncertain Significance.

NM_052945.4(TNFRSF13C):c.367+1del

Gene: TNFRSF13C (TNF receptor superfamily member 13C; minus strand). Cytogenetic location: 22q13.2.
Variant type: Deletion.
Coding change: c.367+1del on transcript NM_052945.4 (MANE Select); the canonical splice donor site of the intron after coding-DNA position 367, one base deleted (G; older notation c.367+1delG).
Molecular consequence: splice donor variant.
Genome position (GRCh38, 1-based): chr22:41,926,100, C deleted on the plus strand (G on the coding strand, the reverse complement: TNFRSF13C is on the minus strand); the first of 2 consecutive C bases (chr22:41,926,100-41,926,101); deleting either gives the same sequence. VCF-style (leftmost placement, unchanged base first): chr22-41926099-AC-A. GRCh37 (hg19) VCF-style: chr22-42322103-AC-A.
Identifiers: ClinVar variation 2808894 (VCV002808894.3), dbSNP rs2518790935, ClinGen allele CA2739267992.